The following is an entry in ClinVar:

ClinVar aggregate classification (germline): Uncertain significance (1 of 4 stars; one submission).

Submission:

GeneDx
Classification: Uncertain significance. Last evaluated: 2023-12-14. Review status: criteria provided, single submitter. Criteria: GeneDx Variant Classification Process June 2021. Collection method: clinical testing. Allele origin: germline. Affected: yes.
Comment: Not observed at significant frequency in large population cohorts (gnomAD); In silico analysis supports that this missense variant has a deleterious effect on protein structure/function; Has not been previously published as pathogenic or benign to our knowledge

NM_006245.4(PPP2R5D):c.943C>G (p.Leu315Val)

Gene: PPP2R5D (protein phosphatase 2 regulatory subunit B'delta; plus strand). Cytogenetic location: 6p21.1.
Variant type: single nucleotide variant.
Coding change: c.943C>G on transcript NM_006245.4 (MANE Select); coding-DNA position 943, C replaced by G.
Protein change: p.Leu315Val; replaces leucine 315 with valine.
Molecular consequence: missense variant.
Genome position (GRCh38, 1-based): chr6:43,008,392, C>G. VCF-style: chr6-43008392-C-G. GRCh37 (hg19) VCF-style: chr6-42976130-C-G.
Other names: c.490C>G, p.Leu164Val (NM_001270476.2); c.847C>G, p.Leu283Val (NM_180976.3); c.625C>G, p.Leu209Val (NM_180977.3); short protein forms L164V, L209V, L283V, L315V.
Identifiers: ClinVar variation 3365753 (VCV003365753.1).